The following is an entry in ClinVar:

NM_014112.5(TRPS1):c.2700+2T>G

Gene: TRPS1 (transcriptional repressor GATA binding 1; minus strand). Cytogenetic location: 8q23.3.
Variant type: single nucleotide variant.
Coding change: c.2700+2T>G on transcript NM_014112.5 (MANE Select); the canonical splice donor site of the intron after coding-DNA position 2700, T replaced by G.
Molecular consequence: splice donor variant.
Genome position (GRCh38, 1-based): chr8:115,586,999, A>C on the plus strand (T>G on the coding strand, the complement: TRPS1 is on the minus strand). VCF-style: chr8-115586999-A-C. GRCh37 (hg19) VCF-style: chr8-116599226-A-C.
Other names: c.2661+2T>G (NM_001330599.2); c.2679+2T>G (NM_001282903.3); c.2673+2T>G (NM_001282902.3).
Identifiers: ClinVar variation 4788839 (VCV004788839.1).

ClinVar aggregate classification (germline): Likely pathogenic (1 of 4 stars; one submission).

Conditions:
Trichorhinophalangeal dysplasia type I (TRPS1). Also called: TRICHORHINOPHALANGEAL SYNDROME, TYPE I; TRPS I. Identifiers: Orphanet 77258, MedGen C0432233, MONDO:0008596, OMIM 190350.
Trichorhinophalangeal syndrome, type III (TRPS3). Also called: SUGIO-KAJII SYNDROME. Identifiers: Orphanet 77258, MedGen C1860823, OMIM 190351, MONDO:0008597.

Submission:

Labcorp Genetics (formerly Invitae), Labcorp
Classification: Likely pathogenic for Trichorhinophalangeal syndrome, type III; Trichorhinophalangeal dysplasia type I. Last evaluated: 2025-03-07. Review status: criteria provided, single submitter. Criteria: Invitae Variant Classification Sherloc (09022015). Collection method: clinical testing. Allele origin: germline.
Comment: This sequence change affects a donor splice site in intron 5 of the TRPS1 gene. It is expected to disrupt RNA splicing. Variants that disrupt the donor or acceptor splice site typically lead to a loss of protein function (PMID: 16199547), and loss-of-function variants in TRPS1 are known to be pathogenic (PMID: 11112658). This variant is not present in population databases (gnomAD no frequency). This variant has not been reported in the literature in individuals affected with TRPS1-related conditions. Algorithms developed to predict the effect of sequence changes on RNA splicing suggest that this variant may disrupt the consensus splice site. In summary, the currently available evidence indicates that the variant is pathogenic, but additional data are needed to prove that conclusively. Therefore, this variant has been classified as Likely Pathogenic.

Literature cited by the submitters: PubMed 16199547; PubMed 11112658.